The following is an entry in ClinVar:

NM_002224.4(ITPR3):c.3845del (p.Val1282fs)

Gene: ITPR3 (inositol 1,4,5-trisphosphate receptor type 3; plus strand). Cytogenetic location: 6p21.31.
Variant type: Deletion.
Coding change: c.3845del on transcript NM_002224.4 (MANE Select); coding-DNA position 3845, one base deleted (T; older notation c.3845delT).
Protein change: p.Val1282fs; shifts the reading frame from valine 1282.
Molecular consequence: frameshift variant.
Genome position (GRCh38, 1-based): chr6:33,678,712, T deleted. VCF-style (leftmost placement, unchanged base first): chr6-33678711-GT-G. GRCh37 (hg19) VCF-style: chr6-33646488-GT-G.
Other names: short protein forms V1282fs.
Identifiers: ClinVar variation 4713704 (VCV004713704.1).

ClinVar aggregate classification (germline): Uncertain significance (1 of 4 stars; one submission).

Submission:

Labcorp Genetics (formerly Invitae), Labcorp
Classification: Uncertain significance. Last evaluated: 2025-02-27. Review status: criteria provided, single submitter. Criteria: Invitae Variant Classification Sherloc (09022015). Collection method: clinical testing. Allele origin: germline.
Comment: This sequence change creates a premature translational stop signal (p.Val1282Glyfs*39) in the ITPR3 gene. It is expected to result in an absent or disrupted protein product. However, the current clinical and genetic evidence is not sufficient to establish whether loss-of-function variants in ITPR3 cause disease. This variant is present in population databases (rs755746198, gnomAD 0.002%). This variant has not been reported in the literature in individuals affected with ITPR3-related conditions. In summary, the available evidence is currently insufficient to determine the role of this variant in disease. Therefore, it has been classified as a Variant of Uncertain Significance.